The following is an entry in ClinVar:

ClinVar aggregate classification (germline): Uncertain significance. Review status: criteria provided, multiple submitters, no conflicts (2 of 4 stars). 5 submissions from 5 submitters: Uncertain significance (4). 1 of the submissions does not count toward it. Last evaluated 2025-08-01.

Conditions:
Very long chain acyl-CoA dehydrogenase deficiency (ACADVLD). Also called: Very Long-Chain Acyl-Coenzyme A Dehydrogenase Deficiency; VLCAD Deficiency. Identifiers: Orphanet 26793, MedGen C3887523, MONDO:0008723, OMIM 201475.

Allele frequency attached by ClinVar (database versions not stated): gnomAD exomes below 0.00001.
gnomAD v4.1: 6 of 1,614,100 alleles (0.00037%); highest among the groups gnomAD compares: South Asian, 0.0011%; no homozygotes.

Submissions (5):

CeGaT Center for Human Genetics Tuebingen
Classification: Uncertain significance. Last evaluated: 2025-08-01. Review status: criteria provided, single submitter. Criteria: CeGaT Center For Human Genetics Tuebingen Variant Classification Criteria Version 2. Collection method: clinical testing. Allele origin: germline. Affected: yes. Observed: 1 variant allele.
Comment: ACADVL: PM2, PP4:Moderate

Labcorp Genetics (formerly Invitae), Labcorp
Classification: Uncertain significance for Very long chain acyl-CoA dehydrogenase deficiency. Last evaluated: 2024-11-18. Review status: criteria provided, single submitter. Criteria: Invitae Variant Classification Sherloc (09022015). Collection method: clinical testing. Allele origin: germline.
Comment: This sequence change replaces serine, which is neutral and polar, with leucine, which is neutral and non-polar, at codon 423 of the ACADVL protein (p.Ser423Leu). This variant is present in population databases (no rsID available, gnomAD 0.0009%). This missense change has been observed in individual(s) with C14:1 level fluctuated between normal and mild elevations (PMID: 26385305). ClinVar contains an entry for this variant (Variation ID: 582635). An algorithm developed to predict the effect of missense changes on protein structure and function (PolyPhen-2) suggests that this variant is likely to be disruptive. In summary, the available evidence is currently insufficient to determine the role of this variant in disease. Therefore, it has been classified as a Variant of Uncertain Significance.

Revvity Omics, Revvity
Classification: Uncertain significance for Very long chain acyl-CoA dehydrogenase deficiency. Last evaluated: 2024-08-26. Review status: criteria provided, single submitter. Criteria: ACMG Guidelines, 2015. Collection method: clinical testing. Allele origin: germline.

Wong Mito Lab, Molecular and Human Genetics, Baylor College of Medicine
Classification: Uncertain significance for Very long chain acyl-CoA dehydrogenase deficiency. Last evaluated: 2019-11-01. Review status: criteria provided, single submitter. Criteria: ACMG Guidelines, 2015. Collection method: clinical testing. Allele origin: germline.
Comment: The NM_000018.3:c.1268C>T (NP_000009.1:p.Ser423Leu) [GRCH38: NC_000017.11:g.7223729C>T] variant in ACADVL gene is interpretated to be Uncertain Significance based on ACMG guidelines (PMID: 25741868). This variant has been reported. This variant meets the following evidence codes reported in the ACMG guidelines: PP3

Natera, Inc.
Classification: Uncertain significance for Very long chain acyl-CoA dehydrogenase deficiency. Last evaluated: 2021-04-14. Review status: no assertion criteria provided. Collection method: clinical testing. Allele origin: germline. Not counted in ClinVar's aggregate classification.

Literature cited by the submitters: PubMed 26385305 (cited by Labcorp Genetics (formerly Invitae), Labcorp).

NM_000018.4(ACADVL):c.1268C>T (p.Ser423Leu)

Gene: ACADVL (acyl-CoA dehydrogenase very long chain; plus strand). Cytogenetic location: 17p13.1.
Variant type: single nucleotide variant.
Coding change: c.1268C>T on transcript NM_000018.4 (MANE Select); coding-DNA position 1268, C replaced by T.
Protein change: p.Ser423Leu; replaces serine 423 with leucine.
Molecular consequence: missense variant.
Genome position (GRCh38, 1-based): chr17:7,223,729, C>T. VCF-style: chr17-7223729-C-T. GRCh37 (hg19) VCF-style: chr17-7127048-C-T.
Other names: c.1202C>T, p.Ser401Leu (NM_001033859.3); c.1337C>T, p.Ser446Leu (NM_001270447.2); c.1040C>T, p.Ser347Leu (NM_001270448.2); short protein forms S423L, S446L, S401L, S347L.
Identifiers: ClinVar variation 582635 (VCV000582635.23), dbSNP rs1451455641, ClinGen allele CA397724731.